The following is an entry in ClinVar:

ClinVar aggregate classification (germline): Likely benign (1 of 4 stars; one submission).

Allele frequency attached by ClinVar (database versions not stated): ExAC 0.00001; gnomAD 0.00001; gnomAD exomes 0.00001; TOPMed 0.00001.
gnomAD v4.1: 17 of 1,614,198 alleles (0.0011%); highest among the groups gnomAD compares: South Asian, 0.0011%; no homozygotes.

Submission:

CeGaT Center for Human Genetics Tuebingen
Classification: Likely benign. Last evaluated: 2023-04-01. Review status: criteria provided, single submitter. Criteria: CeGaT Center For Human Genetics Tuebingen Variant Classification Criteria Version 2. Collection method: clinical testing. Allele origin: germline. Affected: yes. Observed: 1 variant allele.
Comment: TRIO: BP4

NM_007118.4(TRIO):c.8880C>T (p.Ala2960=)

Gene: TRIO (trio Rho guanine nucleotide exchange factor; plus strand). Cytogenetic location: 5p15.2.
Variant type: single nucleotide variant.
Coding change: c.8880C>T on transcript NM_007118.4 (MANE Select); coding-DNA position 8880, C replaced by T.
Protein change: p.Ala2960=; no amino-acid change (alanine 2960 retained).
Molecular consequence: synonymous variant. On other transcripts: non-coding transcript variant (1).
Genome position (GRCh38, 1-based): chr5:14,508,008, C>T. VCF-style: chr5-14508008-C-T. GRCh37 (hg19) VCF-style: chr5-14508117-C-T.
Identifiers: ClinVar variation 2571215 (VCV002571215.27), dbSNP rs200566283, ClinGen allele CA3208003.
Genomic context (GRCh38, chr5:14,508,008, plus strand): 5'-TGTTCAGCTCAACACGACCTACTACATCCACCAGTTACTGGGGAACCCTGAATTCGCAGC[C>T]CCTGAAATCATCCTCGGGAACCCTGTCTCCCTGACCTCGGATACGTGGAGTGTTGGAGTG-3'
Protein context (NP_009049.2, residues 2950-2970): HQLLGNPEFA[Ala2960=]PEIILGNPVS